The following is an entry in ClinVar:

ClinVar aggregate classification (germline): Pathogenic (1 of 4 stars; one submission).

Conditions:
Intellectual developmental disorder, autosomal recessive 13. Also called: Intellectual disability, autosomal recessive 13. Identifiers: Orphanet 88616, MedGen C2750791, MONDO:0013173, OMIM 613192.

Allele frequency attached by ClinVar (database versions not stated): gnomAD exomes below 0.00001; ExAC 0.00001.

Submission:

Victorian Clinical Genetics Services, Murdoch Childrens Research Institute
Classification: Pathogenic for Intellectual developmental disorder, autosomal recessive 13. Last evaluated: 2021-05-06. Review status: criteria provided, single submitter. Criteria: ACMG Guidelines, 2015. Collection method: clinical testing. Allele origin: germline. Inheritance: Autosomal recessive inheritance.
Comment: Based on the classification scheme VCGS_Germline_v1.3.4, this variant is classified as Pathogenic. 0102 - Loss of function is a known mechanism of disease in this gene and is associated with TRAPPC9-related intellectual disability. (I) 0106 - This gene is associated with autosomal recessive disease. (I) 0201 - Variant is predicted to cause nonsense-mediated decay (NMD) and loss of protein (premature termination codon is located at least 54 nucleotides upstream of the final exon-exon junction). (SP) 0251 - This variant is heterozygous. (I) 0304 - Variant is present in gnomAD <0.01 for a recessive condition (v2: 1 heterozygotes, 0 homozygotes). (SP) 0701- Other NMD-predicted variants comparable to the one identified in this case have very strong previous evidence for pathogenicity. At least 10 other NMD-predicted variants have been reported in this gene (DECIPHER, ClinVar). (SP) 0807 - This variant has no previous evidence of pathogenicity. (I) 0905 - No published segregation evidence has been identified for this variant. (I) 1007 - No published functional evidence has been identified for this variant. (I) 1208 - Inheritance information for this variant is not currently available in this individual. (I) Legend: (SP) - Supporting pathogenic, (I) - Information, (SB) - Supporting benign

NM_001160372.4(TRAPPC9):c.175del (p.His59fs)

Gene: TRAPPC9 (trafficking protein particle complex subunit 9; minus strand). Cytogenetic location: 8q24.3.
Variant type: Deletion.
Coding change: c.175del on transcript NM_001160372.4 (MANE Select); coding-DNA position 175, one base deleted (C; older notation c.175delC).
Protein change: p.His59fs; shifts the reading frame from histidine 59.
Molecular consequence: frameshift variant. On other transcripts: non-coding transcript variant (1).
Genome position (GRCh38, 1-based): chr8:140,451,199, G deleted on the plus strand (C on the coding strand, the reverse complement: TRAPPC9 is on the minus strand). VCF-style (leftmost placement, unchanged base first): chr8-140451198-TG-T. GRCh37 (hg19) VCF-style: chr8-141461297-TG-T.
Other names: c.175del, p.His59fs (NM_001321646.2, NM_001374682.1, NM_001374683.1 and 2 more transcripts); short protein forms H59fs.
Identifiers: ClinVar variation 1805300 (VCV001805300.1), dbSNP rs774787025, ClinGen allele CA4893786.